The following is an entry in ClinVar:

NM_001321075.3(DLG4):c.1693C>T (p.His565Tyr)

Gene: DLG4 (discs large MAGUK scaffold protein 4; minus strand). Cytogenetic location: 17p13.1.
Variant type: single nucleotide variant.
Coding change: c.1693C>T on transcript NM_001321075.3 (MANE Select); coding-DNA position 1693, C replaced by T.
Protein change: p.His565Tyr; replaces histidine 565 with tyrosine.
Molecular consequence: missense variant. On other transcripts: non-coding transcript variant (1).
Genome position (GRCh38, 1-based): chr17:7,193,483, G>A on the plus strand (C>T on the coding strand, the complement: DLG4 is on the minus strand). VCF-style: chr17-7193483-G-A. GRCh37 (hg19) VCF-style: chr17-7096802-G-A.
Other names: c.1684C>T, p.His562Tyr (NM_001128827.4); c.1813C>T, p.His605Tyr (NM_001321074.1); c.1513C>T, p.His505Tyr (NM_001321076.3, NM_001321077.3); c.1822C>T, p.His608Tyr (NM_001365.5); c.1612C>T, p.His538Tyr (NM_001369566.3); c.1822C>T (NM_001365.3); short protein forms H505Y, H538Y, H562Y, H565Y, H605Y, H608Y.
Identifiers: ClinVar variation 2498098 (VCV002498098.26), dbSNP rs2507921984, ClinGen allele CA397714984.

ClinVar aggregate classification (germline): Conflicting classifications of pathogenicity. Review status: criteria provided, conflicting classifications (1 of 4 stars). 3 submissions from 3 submitters: Pathogenic (1); Uncertain significance (2). Last evaluated 2026-08-20.

Conditions:
Intellectual developmental disorder 62. Also called: INTELLECTUAL DEVELOPMENTAL DISORDER, AUTOSOMAL DOMINANT 62; MENTAL RETARDATION, AUTOSOMAL DOMINANT 62. Identifiers: MedGen C5394083, MONDO:0032919, OMIM 618793.

Submissions (3):

GeneDx
Classification: Pathogenic. Last evaluated: 2026-08-20. Review status: criteria provided, single submitter. Criteria: GeneDx Variant Classification Process June 2021. Collection method: clinical testing. Allele origin: germline.
Comment: Not observed at significant frequency in large population cohorts (gnomAD); In silico analysis supports that this missense variant has a deleterious effect on protein structure/function; This variant is associated with the following publications: (PMID: 38135915, 42482343)

CeGaT Center for Human Genetics Tuebingen
Classification: Uncertain significance. Last evaluated: 2024-02-01. Review status: criteria provided, single submitter. Criteria: CeGaT Center For Human Genetics Tuebingen Variant Classification Criteria Version 2. Collection method: clinical testing. Allele origin: germline. Affected: yes. Observed: 1 variant allele.
Comment: DLG4: PM2, PP2

Tumer Group, Copenhagen University Hospital, Rigshospitalet
Classification: Uncertain significance for Intellectual developmental disorder 62. Last evaluated: 2023-02-28. Review status: criteria provided, single submitter. Criteria: ACMG Guidelines, 2015. Collection method: research. Allele origin: de novo. Affected: yes.